The following is an entry in ClinVar:

ClinVar aggregate classification (germline): Likely benign (1 of 4 stars; one submission).

gnomAD v4.1: 23 of 1,614,034 alleles (0.0014%); highest among the groups gnomAD compares: Non-Finnish European, 0.0019%; no homozygotes.

Submission:

CeGaT Center for Human Genetics Tuebingen
Classification: Likely benign. Last evaluated: 2025-08-01. Review status: criteria provided, single submitter. Criteria: CeGaT Center For Human Genetics Tuebingen Variant Classification Criteria Version 2. Collection method: clinical testing. Allele origin: germline. Affected: yes. Observed: 1 variant allele.
Comment: NPAP1: BP4, BP7

NM_018958.3(NPAP1):c.1257G>A (p.Gln419=)

Gene: NPAP1 (nuclear pore associated protein 1; plus strand). Cytogenetic location: 15q11.2.
Variant type: single nucleotide variant.
Coding change: c.1257G>A on transcript NM_018958.3 (MANE Select); coding-DNA position 1257, G replaced by A.
Protein change: p.Gln419=; no amino-acid change (glutamine 419 retained).
Molecular consequence: synonymous variant.
Genome position (GRCh38, 1-based): chr15:24,677,124, G>A. VCF-style: chr15-24677124-G-A. GRCh37 (hg19) VCF-style: chr15-24922271-G-A.
Identifiers: ClinVar variation 4085944 (VCV004085944.8).